The following is an entry in ClinVar:

ClinVar aggregate classification (germline): Likely pathogenic (1 of 4 stars; one submission).

Allele frequency attached by ClinVar (database versions not stated): ExAC 0.00002; gnomAD exomes 0.00001.
gnomAD v4.1: 15 of 1,612,164 alleles (0.00093%); highest among the groups gnomAD compares: Non-Finnish European, 0.0012%; no homozygotes.

Submission:

Greenwood Genetic Center Diagnostic Laboratories, Greenwood Genetic Center
Classification: Likely pathogenic. Last evaluated: 2020-11-16. Review status: criteria provided, single submitter. Criteria: ACMG Guidelines, 2015. Collection method: clinical testing. Allele origin: germline. Affected: yes.
Comment: PVS1, PM2

NM_001041.4(SI):c.3266G>A (p.Trp1089Ter)

Gene: SI (sucrase-isomaltase; minus strand). Cytogenetic location: 3q26.1.
Variant type: single nucleotide variant.
Coding change: c.3266G>A on transcript NM_001041.4 (MANE Select); coding-DNA position 3266, G replaced by A.
Protein change: p.Trp1089Ter; replaces tryptophan 1089 with a stop codon.
Molecular consequence: nonsense.
Genome position (GRCh38, 1-based): chr3:165,019,759, C>T on the plus strand (G>A on the coding strand, the complement: SI is on the minus strand). VCF-style: chr3-165019759-C-T. GRCh37 (hg19) VCF-style: chr3-164737547-C-T.
Other names: short protein forms W1089*.
Identifiers: ClinVar variation 1331516 (VCV001331516.4), dbSNP rs774109373, ClinGen allele CA2690316.